The following is an entry in ClinVar:

ClinVar aggregate classification (germline): Uncertain significance (1 of 4 stars; one submission).

Conditions:
Fanconi anemia (FA). Also called: Fanconi's anemia. Identifiers: Orphanet 84, MedGen C0015625, MeSH D005199, MONDO:0019391.

gnomAD v4.1: 1 of 1,614,182 alleles (0.000062%); highest among the groups gnomAD compares: East Asian, 0.0022%; no homozygotes.

Submission:

Labcorp Genetics (formerly Invitae), Labcorp
Classification: Uncertain significance for Fanconi anemia. Last evaluated: 2022-02-03. Review status: criteria provided, single submitter. Criteria: Invitae Variant Classification Sherloc (09022015). Collection method: clinical testing. Allele origin: germline.
Comment: This variant has not been reported in the literature in individuals affected with SLX4-related conditions. This variant is not present in population databases (gnomAD no frequency). This sequence change replaces asparagine, which is neutral and polar, with histidine, which is basic and polar, at codon 240 of the SLX4 protein (p.Asn240His). In summary, the available evidence is currently insufficient to determine the role of this variant in disease. Therefore, it has been classified as a Variant of Uncertain Significance. Algorithms developed to predict the effect of missense changes on protein structure and function output the following: SIFT: "Deleterious"; PolyPhen-2: "Possibly Damaging"; Align-GVGD: "Class C0". The histidine amino acid residue is found in multiple mammalian species, which suggests that this missense change does not adversely affect protein function.

NM_032444.4(SLX4):c.718A>C (p.Asn240His)

Gene: SLX4 (SLX4 structure-specific endonuclease subunit; minus strand). Cytogenetic location: 16p13.3.
Variant type: single nucleotide variant.
Coding change: c.718A>C on transcript NM_032444.4 (MANE Select); coding-DNA position 718, A replaced by C.
Protein change: p.Asn240His; replaces asparagine 240 with histidine.
Molecular consequence: missense variant.
Genome position (GRCh38, 1-based): chr16:3,606,516, T>G on the plus strand (A>C on the coding strand, the complement: SLX4 is on the minus strand). VCF-style: chr16-3606516-T-G. GRCh37 (hg19) VCF-style: chr16-3656517-T-G.
Other names: short protein forms N240H.
Identifiers: ClinVar variation 1954269 (VCV001954269.5), dbSNP rs114744903, ClinGen allele CA394533176.